The following is an entry in ClinVar:

ClinVar aggregate classification (germline): Uncertain significance (1 of 4 stars; one submission).

Conditions:
Frontotemporal dementia and/or amyotrophic lateral sclerosis 1 (FTDALS1). Also called: Frontotemporal dementia with motor neuron disease 1; C9orf72 Frontotemporal Dementia and/or Amyotrophic Lateral Sclerosis. Identifiers: Orphanet 275872, MedGen C5779877, MONDO:0007105, OMIM 105550.
Paget disease of bone 2, early-onset (PDB2). Also called: Paget disease of bone 2. Identifiers: MedGen C4085251, MONDO:0011183, OMIM 602080.

Submission:

Labcorp Genetics (formerly Invitae), Labcorp
Classification: Uncertain significance for Paget disease of bone 2, early-onset; Frontotemporal dementia and/or amyotrophic lateral sclerosis 1. Last evaluated: 2022-10-15. Review status: criteria provided, single submitter. Criteria: Invitae Variant Classification Sherloc (09022015). Collection method: clinical testing. Allele origin: germline.
Comment: In summary, the available evidence is currently insufficient to determine the role of this variant in disease. Therefore, it has been classified as a Variant of Uncertain Significance. Experimental studies and prediction algorithms are not available or were not evaluated, and the functional significance of this variant is currently unknown. This variant has not been reported in the literature in individuals affected with SQSTM1-related conditions. This variant is not present in population databases (gnomAD no frequency). This variant, c.499_504del, results in the deletion of 2 amino acid(s) of the SQSTM1 protein (p.Ala167_Phe168del), but otherwise preserves the integrity of the reading frame.

NM_003900.5(SQSTM1):c.499_504del (p.Ala167_Phe168del)

Gene: SQSTM1 (sequestosome 1; plus strand). Cytogenetic location: 5q35.3.
Variant type: Deletion.
Coding change: c.499_504del on transcript NM_003900.5 (MANE Select); coding-DNA positions 499 to 504, 6 bases deleted (GCATTC; older notation c.499_504delGCATTC).
Protein change: p.Ala167_Phe168del.
Molecular consequence: inframe deletion.
Genome position (GRCh38, 1-based): chr5:179,824,055-179,824,060, GCATTC deleted; deleting any 6 consecutive bases within chr5:179,824,053-179,824,060 gives the same sequence; the c. name uses the placement nearest the transcript's 3' end. VCF-style (leftmost placement, unchanged base first): chr5-179824052-CTCGCAT-C. GRCh37 (hg19) VCF-style: chr5-179251052-CTCGCAT-C.
Other names: c.247_252del, p.Ala83_Phe84del (NM_001142298.2, NM_001142299.2).
Identifiers: ClinVar variation 2940878 (VCV002940878.3), dbSNP rs1757895764, ClinGen allele CA1604328784.
Genomic context (GRCh38, chr5:179,824,052, plus strand): 5'-CCAGACTACGACTTGTGTAGCGTCTGCGAGGGAAAGGGCTTGCACCGGGGGCACACCAAG[CTCGCAT>C]TCCCCAGCCCCTTCGGGCACCTGTCTGAGGTGAGCAGGCCCTCTGTGCAGGCCTGGGGTG-3'